The following is an entry in ClinVar:

ClinVar aggregate classification (germline): Uncertain significance. Review status: criteria provided, multiple submitters, no conflicts (2 of 4 stars). 2 submissions from 2 submitters: Uncertain significance (2). Last evaluated 2024-07-10.

Allele frequency attached by ClinVar (database versions not stated): TOPMed below 0.00001; ExAC 0.00002.

Submissions (2):

Labcorp Genetics (formerly Invitae), Labcorp
Classification: Uncertain significance. Last evaluated: 2024-07-10. Review status: criteria provided, single submitter. Criteria: Invitae Variant Classification Sherloc (09022015). Collection method: clinical testing. Allele origin: germline.
Comment: This sequence change replaces alanine, which is neutral and non-polar, with threonine, which is neutral and polar, at codon 202 of the GALNT12 protein (p.Ala202Thr). The frequency data for this variant in the population databases is considered unreliable, as metrics indicate poor data quality at this position in the gnomAD database. This variant has not been reported in the literature in individuals affected with GALNT12-related conditions. ClinVar contains an entry for this variant (Variation ID: 943598). Advanced modeling of protein sequence and biophysical properties (such as structural, functional, and spatial information, amino acid conservation, physicochemical variation, residue mobility, and thermodynamic stability) performed at Invitae indicates that this missense variant is not expected to disrupt GALNT12 protein function with a negative predictive value of 80%. In summary, the available evidence is currently insufficient to determine the role of this variant in disease. Therefore, it has been classified as a Variant of Uncertain Significance.

Ambry Genetics
Classification: Uncertain significance. Last evaluated: 2023-06-08. Review status: criteria provided, single submitter. Criteria: Ambry Variant Classification Scheme 2023. Collection method: clinical testing. Allele origin: germline.
Comment: The p.A202T variant (also known as c.604G>A), located in coding exon 3 of the GALNT12 gene, results from a G to A substitution at nucleotide position 604. The alanine at codon 202 is replaced by threonine, an amino acid with similar properties. This amino acid position is highly conserved in available vertebrate species. In addition, the in silico prediction for this alteration is inconclusive. The evidence for this gene-disease relationship is limited; therefore, the clinical significance of this alteration is unclear.

NM_024642.5(GALNT12):c.604G>A (p.Ala202Thr)

Gene: GALNT12 (polypeptide N-acetylgalactosaminyltransferase 12; plus strand). Cytogenetic location: 9q22.33.
Variant type: single nucleotide variant.
Coding change: c.604G>A on transcript NM_024642.5 (MANE Select); coding-DNA position 604, G replaced by A.
Protein change: p.Ala202Thr; replaces alanine 202 with threonine.
Molecular consequence: missense variant.
Genome position (GRCh38, 1-based): chr9:98,826,814, G>A. VCF-style: chr9-98826814-G-A. GRCh37 (hg19) VCF-style: chr9-101589096-G-A.
Other names: short protein forms A202T.
Identifiers: ClinVar variation 943598 (VCV000943598.12), dbSNP rs762155395, ClinGen allele CA5154001.